The following is an entry in ClinVar:

ClinVar aggregate classification (germline): Uncertain significance (1 of 4 stars; one submission).

Conditions:
Baller-Gerold syndrome (BGS). Also called: CRANIOSYNOSTOSIS WITH RADIAL DEFECTS. Identifiers: Orphanet 1225, MedGen C0265308, MONDO:0009039, OMIM 218600.

Allele frequency attached by ClinVar (database versions not stated): gnomAD exomes below 0.00001.

Submission:

Labcorp Genetics (formerly Invitae), Labcorp
Classification: Uncertain significance for Baller-Gerold syndrome. Last evaluated: 2023-11-01. Review status: criteria provided, single submitter. Criteria: Invitae Variant Classification Sherloc (09022015). Collection method: clinical testing. Allele origin: germline.
Comment: This sequence change replaces cysteine, which is neutral and slightly polar, with arginine, which is basic and polar, at codon 1171 of the RECQL4 protein (p.Cys1171Arg). This variant is not present in population databases (gnomAD no frequency). This variant has not been reported in the literature in individuals affected with RECQL4-related conditions. Advanced modeling of protein sequence and biophysical properties (such as structural, functional, and spatial information, amino acid conservation, physicochemical variation, residue mobility, and thermodynamic stability) performed at Invitae indicates that this missense variant is not expected to disrupt RECQL4 protein function with a negative predictive value of 80%. In summary, the available evidence is currently insufficient to determine the role of this variant in disease. Therefore, it has been classified as a Variant of Uncertain Significance.

NM_004260.4(RECQL4):c.3511T>C (p.Cys1171Arg)

Gene: RECQL4 (RecQ like helicase 4; minus strand). Cytogenetic location: 8q24.3.
Variant type: single nucleotide variant.
Coding change: c.3511T>C on transcript NM_004260.4 (MANE Select); coding-DNA position 3511, T replaced by C.
Protein change: p.Cys1171Arg; replaces cysteine 1171 with arginine.
Molecular consequence: missense variant. On other transcripts: non-coding transcript variant (3).
Genome position (GRCh38, 1-based): chr8:144,511,547, A>G on the plus strand (T>C on the coding strand, the complement: RECQL4 is on the minus strand). VCF-style: chr8-144511547-A-G. GRCh37 (hg19) VCF-style: chr8-145736930-A-G.
Other names: c.3217T>C, p.Cys1073Arg (NM_001413017.1); c.3313T>C, p.Cys1105Arg (NM_001413018.1); c.3586T>C, p.Cys1196Arg (NM_001413019.1); c.3415T>C, p.Cys1139Arg (NM_001413020.1); c.2440T>C, p.Cys814Arg (NM_001413021.1, NM_001413022.1, NM_001413024.1 and 4 more transcripts); c.2515T>C, p.Cys839Arg (NM_001413023.1); c.3382T>C, p.Cys1128Arg (NM_001413025.1); c.2374T>C, p.Cys792Arg (NM_001413027.1, NM_001413030.1, NM_001413032.1); and 9 more; short protein forms C1054R, C1073R, C1196R, C748R, C1105R, C1128R, C1161R, C770R.
Identifiers: ClinVar variation 2793795 (VCV002793795.3), dbSNP rs2537960789, ClinGen allele CA372666153.
Genomic context (GRCh38, chr8:144,511,547, plus strand): 5'-TCAGGTGCAGGTATTTTCTCCAGAAGCGTCGGTCCTGCCCGTACACCTGGGCCGGGTAGC[A>G]GGGGCTTCCTACGGTGGAGCCAAGACACAGCCGTGAGCCCCAGCCCCAGCCTGCAGCGGG-3'
Protein context (NP_004251.4, residues 1161-1181): ARIFHGIGSP[Cys1171Arg]YPAQVYGQDR